The following is an entry in ClinVar:

NM_000038.6(APC):c.7286C>G (p.Ser2429Cys)

Gene: APC (APC regulator of Wnt signaling pathway; plus strand). Cytogenetic location: 5q22.2.
Variant type: single nucleotide variant.
Coding change: c.7286C>G on transcript NM_000038.6 (MANE Select); coding-DNA position 7286, C replaced by G.
Protein change: p.Ser2429Cys; replaces serine 2429 with cysteine.
Molecular consequence: missense variant.
Genome position (GRCh38, 1-based): chr5:112,842,880, C>G. VCF-style: chr5-112842880-C-G. GRCh37 (hg19) VCF-style: chr5-112178577-C-G.
Other names: c.7286C>G, p.Ser2429Cys (NM_001127510.3, NM_001354895.2); c.7232C>G, p.Ser2411Cys (NM_001127511.3); c.7340C>G, p.Ser2447Cys (NM_001354896.2); c.7316C>G, p.Ser2439Cys (NM_001354897.2); c.7211C>G, p.Ser2404Cys (NM_001354898.2); c.7202C>G, p.Ser2401Cys (NM_001354899.2); c.7163C>G, p.Ser2388Cys (NM_001354900.2); c.7109C>G, p.Ser2370Cys (NM_001354901.2); and 5 more; short protein forms S2411C, S2429C, S2269C, S2338C, S2401C, S2370C, S2404C, S2439C.
Identifiers: ClinVar variation 411540 (VCV000411540.33), dbSNP rs1060503363, ClinGen allele CA16037199.
Genomic context (GRCh38, chr5:112,842,880, plus strand): 5'-GAGCCAATAAAAAGGTAGAACTTTCTAGAATGTCTTCAACTAAATCAAGTGGAAGTGAAT[C>G]TGATAGATCAGAAAGACCTGTATTAGTACGCCAGTCAACTTTCATCAAAGAAGCTCCAAG-3'
Protein context (NP_000029.2, residues 2419-2439): MSSTKSSGSE[Ser2429Cys]DRSERPVLVR

ClinVar aggregate classification (germline): Uncertain significance. Review status: criteria provided, multiple submitters, no conflicts (2 of 4 stars). 3 submissions from 3 submitters: Uncertain significance (3). Last evaluated 2025-09-15.

Conditions:
Hereditary cancer-predisposing syndrome. Also called: Tumor predisposition; Hereditary neoplastic syndrome; Hereditary Cancer Syndrome; Neoplastic Syndromes, Hereditary. Identifiers: Orphanet 140162, MedGen C0027672, MeSH D009386, MONDO:0015356.
Familial adenomatous polyposis 1 (FAP1). Also called: FAMILIAL ADENOMATOUS POLYPOSIS 1, ATTENUATED; POLYPOSIS, ADENOMATOUS INTESTINAL. Identifiers: MedGen C2713442, MONDO:0021056, OMIM 175100. Disease mechanism: loss of function.

Allele frequency attached by ClinVar (database versions not stated): gnomAD exomes below 0.00001.
gnomAD v4.1: 1 of 1,614,014 alleles (0.000062%); highest among the groups gnomAD compares: Non-Finnish European, 0.000085%; no homozygotes.

Submissions (3):

Ambry Genetics
Classification: Uncertain significance for Hereditary cancer-predisposing syndrome. Last evaluated: 2025-09-15. Review status: criteria provided, single submitter. Criteria: Ambry Variant Classification Scheme 2023. Collection method: clinical testing. Allele origin: germline.
Comment: The p.S2429C variant (also known as c.7286C>G), located in coding exon 15 of the APC gene, results from a C to G substitution at nucleotide position 7286. The serine at codon 2429 is replaced by cysteine, an amino acid with dissimilar properties. This amino acid position is highly conserved in available vertebrate species. In addition, in silico predictors for this gene do not accurately predict pathogenicity. Missense alterations in APC are not a common cause of disease (Spier I et al. Genet Med. 2024 Feb;26(2):100992). Based on the available evidence, the clinical significance of this variant remains unclear.

Labcorp Genetics (formerly Invitae), Labcorp
Classification: Uncertain significance for Familial adenomatous polyposis 1. Last evaluated: 2025-02-10. Review status: criteria provided, single submitter. Criteria: Invitae Variant Classification Sherloc (09022015). Collection method: clinical testing. Allele origin: germline.
Comment: This sequence change replaces serine, which is neutral and polar, with cysteine, which is neutral and slightly polar, at codon 2429 of the APC protein (p.Ser2429Cys). This variant is not present in population databases (gnomAD no frequency). This variant has not been reported in the literature in individuals affected with APC-related conditions. ClinVar contains an entry for this variant (Variation ID: 411540). Invitae Evidence Modeling of protein sequence and biophysical properties (such as structural, functional, and spatial information, amino acid conservation, physicochemical variation, residue mobility, and thermodynamic stability) indicates that this missense variant is not expected to disrupt APC protein function with a negative predictive value of 95%. In summary, the available evidence is currently insufficient to determine the role of this variant in disease. Therefore, it has been classified as a Variant of Uncertain Significance.

CeGaT Center for Human Genetics Tuebingen
Classification: Uncertain significance. Last evaluated: 2024-08-01. Review status: criteria provided, single submitter. Criteria: CeGaT Center For Human Genetics Tuebingen Variant Classification Criteria Version 2. Collection method: clinical testing. Allele origin: germline. Affected: yes. Observed: 1 variant allele.